The following is an entry in ClinVar:

NM_001283.5(AP1S1):c.18A>G (p.Leu6=)

Genes: AP1S1 (adaptor related protein complex 1 subunit sigma 1; plus strand), LOC126860125 (BRD4-independent group 4 enhancer GRCh37_chr7:100799642-100800841; plus strand). Cytogenetic location: 7q22.1.
Variant type: single nucleotide variant.
Coding change: c.18A>G on transcript NM_001283.5 (MANE Select); coding-DNA position 18, A replaced by G.
Protein change: p.Leu6=; no amino-acid change (leucine 6 retained).
Molecular consequence: synonymous variant.
Genome position (GRCh38, 1-based): chr7:101,156,608, A>G. VCF-style: chr7-101156608-A-G. GRCh37 (hg19) VCF-style: chr7-100799889-A-G.
Other names: c.18A>G (NM_001283.3).
Identifiers: ClinVar variation 2195481 (VCV002195481.12), dbSNP rs377385691, ClinGen allele CA4405914.
Genomic context (GRCh38, chr7:101,156,608, plus strand): 5'-GGGGAATGTGTGGTTACCCTCGGTTCTGCCCTCCCATCCCCCACAGATGCGGTTCATGCT[A>G]TTATTCAGCCGGCAGGGAAAACTGCGGCTGCAAAAATGGTACCTGGCCACTTCGGACAAG-3'
Protein context (NP_001274.1, residues 1-16): MMRFM[Leu6=]LFSRQGKLRL

ClinVar aggregate classification (germline): Likely benign. Review status: criteria provided, multiple submitters, no conflicts (2 of 4 stars). 5 submissions from 5 submitters: Likely benign (4). 1 of the submissions does not count toward it. Last evaluated 2026-06-01.

Conditions:
Inborn genetic diseases. Identifiers: MedGen C0950123, MeSH D030342.
AP1S1-related disorder. Also called: AP1S1-related condition.

Allele frequency attached by ClinVar (database versions not stated): TOPMed 0.00005; gnomAD 0.00006; gnomAD exomes 0.00006; ESP Exome Variant Server 0.00008; ExAC 0.00010.
gnomAD v4.1: 101 of 1,612,066 alleles (0.0063%); highest among the groups gnomAD compares: East Asian, 0.0089%; no homozygotes.

Submissions (5):

CeGaT Center for Human Genetics Tuebingen
Classification: Likely benign. Last evaluated: 2026-06-01. Review status: criteria provided, single submitter. Criteria: CeGaT Center For Human Genetics Tuebingen Variant Classification Criteria Version 2. Collection method: clinical testing. Allele origin: germline. Affected: yes. Observed: 2 variant alleles.
Comment: AP1S1: BP4, BP7

Labcorp Genetics (formerly Invitae), Labcorp
Classification: Likely benign. Last evaluated: 2026-01-26. Review status: criteria provided, single submitter. Criteria: Invitae Variant Classification Sherloc (09022015). Collection method: clinical testing. Allele origin: germline.

Ambry Genetics
Classification: Likely benign for Inborn genetic diseases. Last evaluated: 2025-04-08. Review status: criteria provided, single submitter. Criteria: Ambry Variant Classification Scheme 2023. Collection method: clinical testing. Allele origin: germline.

Laboratory of Genetics, Children's Clinical University Hospital Latvia
Classification: Likely benign. Last evaluated: 2025-02-16. Review status: criteria provided, single submitter. Criteria: ACMG Guidelines, 2015. Collection method: clinical testing. Allele origin: germline. Affected: yes.

PreventionGenetics, part of Exact Sciences
Classification: Likely benign for AP1S1-related condition. Last evaluated: 2019-07-24. Review status: no assertion criteria provided. Collection method: clinical testing. Allele origin: germline. Not counted in ClinVar's aggregate classification.
Comment: This variant is classified as likely benign based on ACMG/AMP sequence variant interpretation guidelines (Richards et al. 2015 PMID: 25741868, with internal and published modifications).